The following is an entry in ClinVar:

ClinVar aggregate classification (germline): Uncertain significance. Review status: criteria provided, multiple submitters, no conflicts (2 of 4 stars). 3 submissions from 3 submitters: Uncertain significance (3). Last evaluated 2024-03-08.

Conditions:
Polycystic kidney disease 3 with or without polycystic liver disease. Also called: POLYCYSTIC KIDNEY DISEASE, ADULT, TYPE III; Polycystic kidney disease 3; Polycystic Kidney and/or Polycystic Liver Disease 3. Identifiers: MedGen C3887964, MONDO:0010916, OMIM 600666.
GANAB-related disorder. Also called: GANAB-related condition.

Allele frequency attached by ClinVar (database versions not stated): gnomAD exomes below 0.00001; gnomAD 0.00001; TOPMed 0.00002.
gnomAD v4.1: 8 of 1,612,768 alleles (0.0005%); highest among the groups gnomAD compares: African/African-American, 0.0067%; no homozygotes.

Submissions (3):

Fulgent Genetics
Classification: Uncertain significance for Polycystic kidney disease 3 with or without polycystic liver disease. Last evaluated: 2024-03-08. Review status: criteria provided, single submitter. Criteria: ACMG Guidelines, 2015. Collection method: clinical testing. Allele origin: germline.

GeneDx
Classification: Uncertain significance. Last evaluated: 2024-02-20. Review status: criteria provided, single submitter. Criteria: GeneDx Variant Classification Process June 2021. Collection method: clinical testing. Allele origin: germline. Affected: yes.
Comment: Not observed at significant frequency in large population cohorts (gnomAD); In silico analysis supports that this missense variant has a deleterious effect on protein structure/function; Has not been previously published as pathogenic or benign to our knowledge

PreventionGenetics, part of Exact Sciences
Classification: Uncertain significance for GANAB-related condition. Last evaluated: 2023-03-10. Review status: criteria provided, single submitter. Criteria: ACMG Guidelines, 2015. Collection method: clinical testing. Allele origin: germline.
Comment: The GANAB c.820G>A variant is predicted to result in the amino acid substitution p.Gly274Ser. To our knowledge, this variant has not been reported in the literature. This variant is reported in 0.0062% of alleles in individuals of African descent in gnomAD. At this time, the clinical significance of this variant is uncertain due to the absence of conclusive functional and genetic evidence.

NM_198334.3(GANAB):c.754G>A (p.Gly252Ser)

Gene: GANAB (glucosidase II alpha subunit; minus strand). Cytogenetic location: 11q12.3.
Variant type: single nucleotide variant.
Coding change: c.754G>A on transcript NM_198334.3 (MANE Select); coding-DNA position 754, G replaced by A.
Protein change: p.Gly252Ser; replaces glycine 252 with serine.
Molecular consequence: missense variant.
Genome position (GRCh38, 1-based): chr11:62,633,066, C>T on the plus strand (G>A on the coding strand, the complement: GANAB is on the minus strand). VCF-style: chr11-62633066-C-T. GRCh37 (hg19) VCF-style: chr11-62400538-C-T.
Other names: c.478G>A, p.Gly160Ser (NM_001278192.2); c.412G>A, p.Gly138Ser (NM_001278193.2); c.463G>A, p.Gly155Ser (NM_001278194.2, NM_001329222.2, NM_001329223.2); c.31G>A, p.Gly11Ser (NM_001329224.2, NM_001329225.2); c.820G>A, p.Gly274Ser (NM_198335.4); short protein forms G11S, G138S, G155S, G160S, G252S, G274S.
Identifiers: ClinVar variation 2636785 (VCV002636785.3), dbSNP rs988514027, ClinGen allele CA223048976.